The following is an entry in ClinVar:

ClinVar aggregate classification (germline): Uncertain significance (1 of 4 stars; one submission).

Conditions:
SLC1A2-related disorder. Also called: SLC1A2-related condition.

Submission:

PreventionGenetics, part of Exact Sciences
Classification: Uncertain significance for SLC1A2-related condition. Last evaluated: 2026-03-17. Review status: criteria provided, single submitter. Criteria: ACMG Guidelines, 2015. Collection method: clinical testing. Allele origin: germline.
Comment: The SLC1A2 c.1153G>T variant is predicted to result in the amino acid substitution p.Val385Leu. To our knowledge, this variant has not been reported in the literature or in a large population database (gnomAD), indicating this variant is rare. At this time, the clinical significance of this variant is uncertain due to the absence of conclusive functional and genetic evidence.

NM_004171.4(SLC1A2):c.1153G>T (p.Val385Leu)

Gene: SLC1A2 (solute carrier family 1 member 2; minus strand). Cytogenetic location: 11p13.
Variant type: single nucleotide variant.
Coding change: c.1153G>T on transcript NM_004171.4 (MANE Select); coding-DNA position 1153, G replaced by T.
Protein change: p.Val385Leu; replaces valine 385 with leucine.
Molecular consequence: missense variant.
Genome position (GRCh38, 1-based): chr11:35,286,890, C>A on the plus strand (G>T on the coding strand, the complement: SLC1A2 is on the minus strand). VCF-style: chr11-35286890-C-A. GRCh37 (hg19) VCF-style: chr11-35308437-C-A.
Other names: c.1126G>T, p.Val376Leu (NM_001195728.3, NM_001252652.2, NM_001439341.1); c.1141G>T, p.Val381Leu (NM_001439342.1); c.919G>T, p.Val307Leu (NM_001439343.1); short protein forms V385L, V307L, V376L, V381L.
Identifiers: ClinVar variation 4996686 (VCV004996686.1).